The following is an entry in ClinVar:

NM_000465.4(BARD1):c.332T>C (p.Leu111Pro)

Gene: BARD1 (BRCA1 associated RING domain 1; minus strand). Cytogenetic location: 2q35.
Variant type: single nucleotide variant.
Coding change: c.332T>C on transcript NM_000465.4 (MANE Select); coding-DNA position 332, T replaced by C.
Protein change: p.Leu111Pro; replaces leucine 111 with proline.
Molecular consequence: missense variant. On other transcripts: non-coding transcript variant (1), intron variant (2).
Genome position (GRCh38, 1-based): chr2:214,792,329, A>G on the plus strand (T>C on the coding strand, the complement: BARD1 is on the minus strand). VCF-style: chr2-214792329-A-G. GRCh37 (hg19) VCF-style: chr2-215657053-A-G.
Other names: c.275T>C, p.Leu92Pro (NM_001282543.2); c.332T>C, p.Leu111Pro (NM_001282549.2); c.158+17083T>C (NM_001282548.2); c.215+4732T>C (NM_001282545.2); short protein forms L111P, L92P.
Identifiers: ClinVar variation 3231797 (VCV003231797.1), dbSNP rs1424559336, ClinGen allele CA350460847.

ClinVar aggregate classification (germline): Uncertain significance (1 of 4 stars; one submission).

Conditions:
Hereditary cancer-predisposing syndrome. Also called: Neoplastic Syndromes, Hereditary; Tumor predisposition; Hereditary neoplastic syndrome; Hereditary Cancer Syndrome. Identifiers: Orphanet 140162, MedGen C0027672, MeSH D009386, MONDO:0015356.

Submission:

Ambry Genetics
Classification: Uncertain significance for Hereditary cancer-predisposing syndrome. Last evaluated: 2024-01-31. Review status: criteria provided, single submitter. Criteria: Ambry Variant Classification Scheme 2023. Collection method: clinical testing. Allele origin: germline.
Comment: The p.L111P variant (also known as c.332T>C), located in coding exon 3 of the BARD1 gene, results from a T to C substitution at nucleotide position 332. The leucine at codon 111 is replaced by proline, an amino acid with similar properties. This amino acid position is conserved. In addition, this alteration is predicted to be deleterious by in silico analysis. Based on the available evidence, the clinical significance of this alteration remains unclear.